The following is an entry in ClinVar:

ClinVar aggregate classification (germline): Uncertain significance (1 of 4 stars; one submission).

gnomAD v4.1: 14 of 1,209,436 alleles (0.0012%); highest among the groups gnomAD compares: African/African-American, 0.0035%; no homozygotes.

Submission:

GeneDx
Classification: Uncertain significance. Last evaluated: 2023-10-13. Review status: criteria provided, single submitter. Criteria: GeneDx Variant Classification Process June 2021. Collection method: clinical testing. Allele origin: germline. Affected: yes.
Comment: In silico analysis supports that this missense variant has a deleterious effect on protein structure/function; Has not been previously published as pathogenic or benign to our knowledge

NM_173495.3(PTCHD1):c.1796A>G (p.Asn599Ser)

Gene: PTCHD1 (patched domain containing 1; plus strand). Cytogenetic location: Xp22.11.
Variant type: single nucleotide variant.
Coding change: c.1796A>G on transcript NM_173495.3 (MANE Select); coding-DNA position 1796, A replaced by G.
Protein change: p.Asn599Ser; replaces asparagine 599 with serine.
Molecular consequence: missense variant.
Genome position (GRCh38, 1-based): chrX:23,393,314, A>G. VCF-style: chrX-23393314-A-G. GRCh37 (hg19) VCF-style: chrX-23411431-A-G.
Other names: short protein forms N599S.
Identifiers: ClinVar variation 3366000 (VCV003366000.1).
Genomic context (GRCh38, chrX:23,393,314, plus strand): 5'-CCAAGGGGTTTGTGCGGATATCCTGGTTTGAGAGCTATTTAAATTACCTTCGGAAACTCA[A>G]TGTATCCACTGGCTTGCCTAAGAAAAATTTCACAGACATGTTGAGGAATTCCTTTCTGAA-3'
Protein context (NP_775766.2, residues 589-609): ESYLNYLRKL[Asn599Ser]VSTGLPKKNF